The following is an entry in ClinVar:

NM_000138.5(FBN1):c.3626A>G (p.Glu1209Gly)

Gene: FBN1 (fibrillin 1; minus strand). Cytogenetic location: 15q21.1.
Variant type: single nucleotide variant.
Coding change: c.3626A>G on transcript NM_000138.5 (MANE Select); coding-DNA position 3626, A replaced by G.
Protein change: p.Glu1209Gly; replaces glutamic acid 1209 with glycine.
Molecular consequence: missense variant.
Genome position (GRCh38, 1-based): chr15:48,485,460, T>C on the plus strand (A>G on the coding strand, the complement: FBN1 is on the minus strand). VCF-style: chr15-48485460-T-C. GRCh37 (hg19) VCF-style: chr15-48777657-T-C.
Other names: c.3626A>G, p.Glu1209Gly (NM_001406716.1); short protein forms E1209G.
Identifiers: ClinVar variation 3386812 (VCV003386812.1).

ClinVar aggregate classification (germline): Uncertain significance (1 of 4 stars; one submission).

Conditions:
Marfan syndrome (MFS). Also called: MARFAN SYNDROME, TYPE I; Marfan syndrome type 1; Marfan's syndrome; FBN1-Related Marfan Syndrome; Marfan syndrome, classic. Identifiers: Orphanet 284963, Orphanet 558, MedGen C0024796, MONDO:0007947, OMIM 154700.

Submission:

All of Us Research Program, National Institutes of Health
Classification: Uncertain significance for Marfan syndrome. Last evaluated: 2024-09-23. Review status: criteria provided, single submitter. Criteria: ACMG Guidelines, 2015. Collection method: clinical testing. Allele origin: germline. Inheritance: Autosomal dominant inheritance. Observed: 1 variant allele, 1 heterozygote.
Comment: This study involves interpretation of variants in research participants for the purpose of population health screening. Participant phenotype was not available at the time of variant classification. Additional details can be found in publication PMID: 35346344, PMCID: PMC8962531